The following is an entry in ClinVar:

ClinVar aggregate classification (germline): Uncertain significance (1 of 4 stars; one submission).

Conditions:
2-aminoadipic 2-oxoadipic aciduria (AAKAD). Also called: Aminoadipic aciduria; ALPHA-AMINOADIPIC AND ALPHA-KETOADIPIC ACIDURIA. Identifiers: Orphanet 79154, MedGen C1859817, MONDO:0008774, OMIM 204750.

Allele frequency attached by ClinVar (database versions not stated): gnomAD exomes below 0.00001; gnomAD 0.00001.
gnomAD v4.1: 7 of 1,612,228 alleles (0.00043%); highest among the groups gnomAD compares: African/African-American, 0.0013%; no homozygotes.

Submission:

Labcorp Genetics (formerly Invitae), Labcorp
Classification: Uncertain significance for 2-aminoadipic 2-oxoadipic aciduria. Last evaluated: 2024-11-30. Review status: criteria provided, single submitter. Criteria: Invitae Variant Classification Sherloc (09022015). Collection method: clinical testing. Allele origin: germline.
Comment: This sequence change replaces glycine, which is neutral and non-polar, with glutamic acid, which is acidic and polar, at codon 629 of the DHTKD1 protein (p.Gly629Glu). This variant is present in population databases (no rsID available, gnomAD 0.0009%). This variant has not been reported in the literature in individuals affected with DHTKD1-related conditions. ClinVar contains an entry for this variant (Variation ID: 1354178). Invitae Evidence Modeling of protein sequence and biophysical properties (such as structural, functional, and spatial information, amino acid conservation, physicochemical variation, residue mobility, and thermodynamic stability) indicates that this missense variant is not expected to disrupt DHTKD1 protein function with a negative predictive value of 80%. In summary, the available evidence is currently insufficient to determine the role of this variant in disease. Therefore, it has been classified as a Variant of Uncertain Significance.

NM_018706.7(DHTKD1):c.1886G>A (p.Gly629Glu)

Gene: DHTKD1 (dehydrogenase E1 and transketolase domain containing 1; plus strand). Cytogenetic location: 10p14.
Variant type: single nucleotide variant.
Coding change: c.1886G>A on transcript NM_018706.7 (MANE Select); coding-DNA position 1886, G replaced by A.
Protein change: p.Gly629Glu; replaces glycine 629 with glutamic acid.
Molecular consequence: missense variant.
Genome position (GRCh38, 1-based): chr10:12,101,171, G>A. VCF-style: chr10-12101171-G-A. GRCh37 (hg19) VCF-style: chr10-12143170-G-A.
Other names: short protein forms G629E.
Identifiers: ClinVar variation 1354178 (VCV001354178.8), dbSNP rs933926558, ClinGen allele CA202587953.